The following is an entry in ClinVar:

NM_033305.3(VPS13A):c.6405A>C (p.Leu2135=)

Gene: VPS13A (vacuolar protein sorting 13 homolog A; plus strand). Cytogenetic location: 9q21.2.
Variant type: single nucleotide variant.
Coding change: c.6405A>C on transcript NM_033305.3 (MANE Select); coding-DNA position 6405, A replaced by C.
Protein change: p.Leu2135=; no amino-acid change (leucine 2135 retained).
Molecular consequence: synonymous variant.
Genome position (GRCh38, 1-based): chr9:77,339,542, A>C. VCF-style: chr9-77339542-A-C. GRCh37 (hg19) VCF-style: chr9-79954458-A-C.
Other names: c.6288A>C, p.Leu2096= (NM_001018037.2); c.6405A>C, p.Leu2135= (NM_001018038.3, NM_015186.4).
Identifiers: ClinVar variation 4281523 (VCV004281523.7).

ClinVar aggregate classification (germline): Likely benign (1 of 4 stars; one submission).

Submission:

CeGaT Center for Human Genetics Tuebingen
Classification: Likely benign. Last evaluated: 2025-09-01. Review status: criteria provided, single submitter. Criteria: CeGaT Center For Human Genetics Tuebingen Variant Classification Criteria Version 2. Collection method: clinical testing. Allele origin: germline. Affected: yes. Observed: 1 variant allele.
Comment: VPS13A: PM2:Supporting, BP4, BP7